The following is an entry in ClinVar:

NM_001130682.3(GUCY1A1):c.1711A>G (p.Ile571Val)

Gene: GUCY1A1 (guanylate cyclase 1 soluble subunit alpha 1; plus strand). Cytogenetic location: 4q32.1.
Variant type: single nucleotide variant.
Coding change: c.1711A>G on transcript NM_001130682.3 (MANE Select); coding-DNA position 1711, A replaced by G.
Protein change: p.Ile571Val; replaces isoleucine 571 with valine.
Molecular consequence: missense variant.
Genome position (GRCh38, 1-based): chr4:155,717,297, A>G. VCF-style: chr4-155717297-A-G. GRCh37 (hg19) VCF-style: chr4-156638449-A-G.
Other names: c.1711A>G, p.Ile571Val (NM_000856.6, NM_001130683.4, NM_001130684.3 and 12 more transcripts); c.1006A>G, p.Ile336Val (NM_001130685.3, NM_001440518.1); c.1204A>G, p.Ile402Val (NM_001379676.1); short protein forms I336V, I402V, I571V.
Identifiers: ClinVar variation 4747420 (VCV004747420.1).

ClinVar aggregate classification (germline): Uncertain significance (1 of 4 stars; one submission).

gnomAD v4.1: 26 of 1,584,906 alleles (0.0016%); highest among the groups gnomAD compares: African/African-American, 0.0054%; no homozygotes.

Submission:

Labcorp Genetics (formerly Invitae), Labcorp
Classification: Uncertain significance. Last evaluated: 2025-08-30. Review status: criteria provided, single submitter. Criteria: Invitae Variant Classification Sherloc (09022015). Collection method: clinical testing. Allele origin: germline.
Comment: This sequence change replaces isoleucine, which is neutral and non-polar, with valine, which is neutral and non-polar, at codon 571 of the GUCY1A1 protein (p.Ile571Val). This variant is present in population databases (rs773717709, gnomAD 0.004%). This missense change has been observed in individual(s) with myocardial infarction (PMID: 27342234). Invitae Evidence Modeling of protein sequence and biophysical properties (such as structural, functional, and spatial information, amino acid conservation, physicochemical variation, residue mobility, and thermodynamic stability) indicates that this missense variant is not expected to disrupt GUCY1A1 protein function with a negative predictive value of 80%. Experimental studies have shown that this missense change affects GUCY1A1 function (PMID: 27342234). In summary, the available evidence is currently insufficient to determine the role of this variant in disease. Therefore, it has been classified as a Variant of Uncertain Significance.

Literature cited by the submitters: PubMed 27342234.